The following is an entry in ClinVar:

NM_004360.5(CDH1):c.832+5A>G

Gene: CDH1 (cadherin 1; plus strand). Cytogenetic location: 16q22.1.
Variant type: single nucleotide variant.
Coding change: c.832+5A>G on transcript NM_004360.5 (MANE Select); 5 bases into the intron after coding-DNA position 832, A replaced by G.
Molecular consequence: intron variant.
Genome position (GRCh38, 1-based): chr16:68,810,346, A>G. VCF-style: chr16-68810346-A-G. GRCh37 (hg19) VCF-style: chr16-68844249-A-G.
Other names: c.832+5A>G (LRG_301t1, NM_001317184.2); c.-784+5A>G (NM_001317185.2); c.-988+5A>G (NM_001317186.2).
Identifiers: ClinVar variation 185381 (VCV000185381.10), dbSNP rs756521764, ClinGen allele CA191774.

ClinVar aggregate classification (germline): Conflicting classifications of pathogenicity. Review status: criteria provided, conflicting classifications (1 of 4 stars). 3 submissions from 3 submitters: Uncertain significance (2); Likely benign (1). Last evaluated 2024-12-10.

Conditions:
Hereditary cancer-predisposing syndrome. Also called: Tumor predisposition; Hereditary Cancer Syndrome; Hereditary neoplastic syndrome; Neoplastic Syndromes, Hereditary. Identifiers: Orphanet 140162, MedGen C0027672, MeSH D009386, MONDO:0015356.
Hereditary diffuse gastric adenocarcinoma (HDGC). Also called: DIFFUSE GASTRIC AND LOBULAR BREAST CANCER SYNDROME. Identifiers: Orphanet 26106, MedGen C1708349, MONDO:0007648, OMIM 137215.

Submissions (3):

Ambry Genetics
Classification: Uncertain significance for Hereditary cancer-predisposing syndrome. Last evaluated: 2024-12-10. Review status: criteria provided, single submitter. Criteria: Ambry Variant Classification Scheme 2023. Collection method: clinical testing. Allele origin: germline.
Comment: The c.832+5A>G intronic variant results from an A to G substitution 5 nucleotides after coding exon 6 in the CDH1 gene. This nucleotide position is not well conserved in available vertebrate species. In silico splice site analysis predicts that this alteration will not have any significant effect on splicing. RNA studies have demonstrated that this alteration does not result in abnormal splicing in the set of samples tested (Ambry internal data). Based on the available evidence, the clinical significance of this variant remains unclear.

Myriad Genetics, Inc.
Classification: Likely benign for Hereditary diffuse gastric adenocarcinoma. Last evaluated: 2024-09-16. Review status: criteria provided, single submitter. Criteria: Myriad Autosomal Dominant, Autosomal Recessive and X-Linked Classification Criteria (2023). Collection method: clinical testing. Allele origin: unknown.
Comment: This variant is considered likely benign. This variant is intronic and is not expected to impact mRNA splicing.

Labcorp Genetics (formerly Invitae), Labcorp
Classification: Uncertain significance for Hereditary diffuse gastric adenocarcinoma. Last evaluated: 2023-09-26. Review status: criteria provided, single submitter. Criteria: Invitae Variant Classification Sherloc (09022015). Collection method: clinical testing. Allele origin: germline.
Comment: In summary, the available evidence is currently insufficient to determine the role of this variant in disease. Therefore, it has been classified as a Variant of Uncertain Significance. Variants that disrupt the consensus splice site are a relatively common cause of aberrant splicing (PMID: 17576681, 9536098). Algorithms developed to predict the effect of sequence changes on RNA splicing suggest that this variant is not likely to affect RNA splicing. ClinVar contains an entry for this variant (Variation ID: 185381). This variant has not been reported in the literature in individuals affected with CDH1-related conditions. This variant is not present in population databases (gnomAD no frequency). This sequence change falls in intron 6 of the CDH1 gene. It does not directly change the encoded amino acid sequence of the CDH1 protein. It affects a nucleotide within the consensus splice site.

Literature cited by the submitters: PubMed 17576681 (cited by Labcorp Genetics (formerly Invitae), Labcorp); PubMed 9536098 (cited by Labcorp Genetics (formerly Invitae), Labcorp).